The following is an entry in ClinVar:

ClinVar aggregate classification (germline): Uncertain significance. Review status: criteria provided, multiple submitters, no conflicts (2 of 4 stars). 2 submissions from 2 submitters: Uncertain significance (2). Last evaluated 2025-10-06.

Conditions:
Ataxia-telangiectasia syndrome (AT). Also called: ATAXIA-TELANGIECTASIA, COMPLEMENTATION GROUP A; ATAXIA-TELANGIECTASIA, FRESNO VARIANT; Ataxia-telangiectasia; Ataxia-telangiectasia, complementation group E; LOUIS-BAR SYNDROME; Cerebello-oculocutaneous telangiectasia. Identifiers: Orphanet 100, MedGen C0004135, MONDO:0008840, OMIM 208900.
Hereditary cancer-predisposing syndrome. Also called: Tumor predisposition; Hereditary Cancer Syndrome; Hereditary neoplastic syndrome; Neoplastic Syndromes, Hereditary. Identifiers: Orphanet 140162, MedGen C0027672, MeSH D009386, MONDO:0015356.

Submissions (2):

Ambry Genetics
Classification: Uncertain significance for Hereditary cancer-predisposing syndrome. Last evaluated: 2025-10-06. Review status: criteria provided, single submitter. Criteria: Ambry Variant Classification Scheme 2023. Collection method: clinical testing. Allele origin: germline.
Comment: The p.L2767H variant (also known as c.8300T>A), located in coding exon 56 of the ATM gene, results from a T to A substitution at nucleotide position 8300. The leucine at codon 2767 is replaced by histidine, an amino acid with similar properties. This amino acid position is highly conserved in available vertebrate species. In addition, this alteration is predicted to be deleterious by in silico analysis. Based on the available evidence, the clinical significance of this variant remains unclear.

Labcorp Genetics (formerly Invitae), Labcorp
Classification: Uncertain significance for Ataxia-telangiectasia syndrome. Last evaluated: 2022-02-01. Review status: criteria provided, single submitter. Criteria: Invitae Variant Classification Sherloc (09022015). Collection method: clinical testing. Allele origin: germline.
Comment: In summary, the available evidence is currently insufficient to determine the role of this variant in disease. Therefore, it has been classified as a Variant of Uncertain Significance. Advanced modeling of protein sequence and biophysical properties (such as structural, functional, and spatial information, amino acid conservation, physicochemical variation, residue mobility, and thermodynamic stability) performed at Invitae indicates that this missense variant is expected to disrupt ATM protein function. This variant has not been reported in the literature in individuals affected with ATM-related conditions. This variant is not present in population databases (gnomAD no frequency). This sequence change replaces leucine, which is neutral and non-polar, with histidine, which is basic and polar, at codon 2767 of the ATM protein (p.Leu2767His).

NM_000051.4(ATM):c.8300T>A (p.Leu2767His)

Genes: ATM (ATM serine/threonine kinase; plus strand), C11orf65 (chromosome 11 open reading frame 65; minus strand). Cytogenetic location: 11q22.3.
Variant type: single nucleotide variant.
Coding change: c.8300T>A on transcript NM_000051.4 (MANE Select); coding-DNA position 8300, T replaced by A.
Protein change: p.Leu2767His; replaces leucine 2767 with histidine.
Molecular consequence: missense variant. On other transcripts: intron variant (2).
Genome position (GRCh38, 1-based): chr11:108,343,253, T>A. VCF-style: chr11-108343253-T-A. GRCh37 (hg19) VCF-style: chr11-108213980-T-A.
Other names: c.8300T>A, p.Leu2767His (NM_001351834.2); c.641-34182A>T (NM_001330368.2); c.695-7961A>T (NM_001351110.2); short protein forms L2767H.
Identifiers: ClinVar variation 2091656 (VCV002091656.4), dbSNP rs1591247825, ClinGen allele CA382516338.
Genomic context (GRCh38, chr11:108,343,253, plus strand): 5'-ATTAAAAGGTATTTAATCTGTAACTCCAGGTGGTTCCCCTCTCTCAGCGAAGTGGTGTTC[T>A]TGAATGGTGCACAGGAACTGTCCCCATTGGTGAATTTCTTGTTAACAATGAAGATGGTGC-3'
Protein context (NP_000042.3, residues 2757-2777): VVPLSQRSGV[Leu2767His]EWCTGTVPIG